The following is an entry in ClinVar:

ClinVar aggregate classification (germline): Uncertain significance (1 of 4 stars; one submission).

Submission:

GeneDx
Classification: Uncertain significance. Last evaluated: 2025-09-21. Review status: criteria provided, single submitter. Criteria: GeneDx Variant Classification Process June 2021. Collection method: clinical testing. Allele origin: germline.
Comment: Not observed at significant frequency in large population cohorts (gnomAD); Nonsense variant predicted to result in protein truncation or nonsense mediated decay in a gene or region of a gene for which loss of function is not a well-established mechanism of disease; Has not been previously published as pathogenic or benign to our knowledge

NM_001394062.1(MACF1):c.17025T>A (p.Tyr5675Ter)

Gene: MACF1 (microtubule actin crosslinking factor 1; plus strand). Cytogenetic location: 1p34.3.
Variant type: single nucleotide variant.
Coding change: c.17025T>A on transcript NM_001394062.1 (MANE Select); coding-DNA position 17025, T replaced by A.
Protein change: p.Tyr5675Ter; replaces tyrosine 5675 with a stop codon.
Molecular consequence: nonsense.
Genome position (GRCh38, 1-based): chr1:39,429,963, T>A. VCF-style: chr1-39429963-T-A. GRCh37 (hg19) VCF-style: chr1-39895635-T-A.
Other names: c.5094T>A, p.Tyr1698Ter (NM_001397473.1); c.10839T>A, p.Tyr3613Ter (NM_012090.5); short protein forms Y1698*, Y3613*, Y5675*.
Identifiers: ClinVar variation 2663042 (VCV002663042.2), dbSNP rs752144422, ClinGen allele CA339800169.